The following is an entry in ClinVar:

NM_014014.5(SNRNP200):c.6075T>A (p.Asp2025Glu)

Gene: SNRNP200 (small nuclear ribonucleoprotein U5 subunit 200; minus strand). Cytogenetic location: 2q11.2.
Variant type: single nucleotide variant.
Coding change: c.6075T>A on transcript NM_014014.5 (MANE Select); coding-DNA position 6075, T replaced by A.
Protein change: p.Asp2025Glu; replaces aspartic acid 2025 with glutamic acid.
Molecular consequence: missense variant.
Genome position (GRCh38, 1-based): chr2:96,277,098, A>T on the plus strand (T>A on the coding strand, the complement: SNRNP200 is on the minus strand). VCF-style: chr2-96277098-A-T. GRCh37 (hg19) VCF-style: chr2-96942836-A-T.
Other names: short protein forms D2025E.
Identifiers: ClinVar variation 2126836 (VCV002126836.4), dbSNP rs2467310712, ClinGen allele CA347656554.

ClinVar aggregate classification (germline): Uncertain significance (1 of 4 stars; one submission).

Allele frequency attached by ClinVar (database versions not stated): gnomAD exomes below 0.00001.
gnomAD v4.1: 2 of 1,614,226 alleles (0.00012%); highest among the groups gnomAD compares: Non-Finnish European, 0.000085%; no homozygotes.

Submission:

Labcorp Genetics (formerly Invitae), Labcorp
Classification: Uncertain significance. Last evaluated: 2023-06-13. Review status: criteria provided, single submitter. Criteria: Invitae Variant Classification Sherloc (09022015). Collection method: clinical testing. Allele origin: germline.
Comment: This sequence change replaces aspartic acid, which is acidic and polar, with glutamic acid, which is acidic and polar, at codon 2025 of the SNRNP200 protein (p.Asp2025Glu). This variant is not present in population databases (gnomAD no frequency). This variant has not been reported in the literature in individuals affected with SNRNP200-related conditions. ClinVar contains an entry for this variant (Variation ID: 2126836). Advanced modeling of protein sequence and biophysical properties (such as structural, functional, and spatial information, amino acid conservation, physicochemical variation, residue mobility, and thermodynamic stability) performed at Invitae indicates that this missense variant is not expected to disrupt SNRNP200 protein function. In summary, the available evidence is currently insufficient to determine the role of this variant in disease. Therefore, it has been classified as a Variant of Uncertain Significance.